The following is an entry in ClinVar:

NM_003482.4(KMT2D):c.1396C>T (p.Arg466Cys)

Gene: KMT2D (lysine methyltransferase 2D; minus strand). Cytogenetic location: 12q13.12.
Variant type: single nucleotide variant.
Coding change: c.1396C>T on transcript NM_003482.4 (MANE Select); coding-DNA position 1396, C replaced by T.
Protein change: p.Arg466Cys; replaces arginine 466 with cysteine.
Molecular consequence: missense variant.
Genome position (GRCh38, 1-based): chr12:49,052,287, G>A on the plus strand (C>T on the coding strand, the complement: KMT2D is on the minus strand). VCF-style: chr12-49052287-G-A. GRCh37 (hg19) VCF-style: chr12-49446070-G-A.
Other names: short protein forms R466C.
Identifiers: ClinVar variation 1638590 (VCV001638590.12), dbSNP rs201512665, ClinGen allele CA6548490.

ClinVar aggregate classification (germline): Conflicting classifications of pathogenicity. Review status: criteria provided, conflicting classifications (1 of 4 stars). 4 submissions from 4 submitters: Uncertain significance (1); Benign (1); Likely benign (2). Last evaluated 2026-05-13.

Conditions:
KMT2D-related disorder. Also called: KMT2D-Related Disorders.
Kabuki syndrome. Also called: NIIKAWA-KUROKI SYNDROME; Kabuki make-up syndrome. Identifiers: Orphanet 2322, MedGen C0796004, MONDO:0016512.

Allele frequency attached by ClinVar (database versions not stated): gnomAD 0.00001 and 0.00003; gnomAD exomes 0.00003 and 0.00004; TOPMed 0.00003; ExAC 0.00005; 1000 Genomes Project 30x 0.00016; 1000 Genomes Project 0.00020.
gnomAD v4.1: 52 of 1,603,364 alleles (0.0032%); highest among the groups gnomAD compares: Middle Eastern, 0.017%; no homozygotes.

Submissions (4):

Women's Health and Genetics/Laboratory Corporation of America, LabCorp
Classification: Likely benign. Last evaluated: 2026-05-13. Review status: criteria provided, single submitter. Criteria: LabCorp Variant Classification Summary - May 2015. Collection method: clinical testing. Allele origin: germline.
Comment: Variant summary: KMT2D c.1396C>T (p.Arg466Cys) results in a non-conservative amino acid change in the encoded protein sequence. Algorithms developed to predict the effect of missense changes on protein structure and function are either unavailable or do not agree on the potential impact of this missense change. The variant allele was found at a frequency of 4.2e-05 in 240192 control chromosomes (gnomAD v2). A total of 52 heterozygotes of this variant were reported in the gnomAD v4 database. These report(s) do not provide unequivocal conclusions about association of the variant with Kabuki Syndrome 1. To our knowledge, no experimental evidence demonstrating an impact on protein function has been reported. The following publication has been ascertained in the context of this evaluation (PMID: 32170002). ClinVar contains an entry for this variant (Variation ID: 1638590). Based on the evidence outlined above, the variant was classified as likely benign.

PreventionGenetics, part of Exact Sciences
Classification: Uncertain significance for KMT2D-related condition. Last evaluated: 2025-08-04. Review status: criteria provided, single submitter. Criteria: ACMG Guidelines, 2015. Collection method: clinical testing. Allele origin: germline.
Comment: The KMT2D c.1396C>T variant is predicted to result in the amino acid substitution p.Arg466Cys. This variant was reported in the heterozygous state in a patient with Kabuki syndrome (Squeo et al. 2020. PubMed ID: 32170002). This variant is reported in 0.0081% of alleles in individuals of European (Non-Finnish) descent in gnomAD. Although rare, this frequency is higher than what is observed for all pathogenic and likely pathogenic variants documented in ClinVar, indicating this variant may be benign. At this time, the clinical significance of this variant is uncertain due to the absence of conclusive functional and genetic evidence.

Labcorp Genetics (formerly Invitae), Labcorp
Classification: Benign for Kabuki syndrome. Last evaluated: 2024-12-23. Review status: criteria provided, single submitter. Criteria: Invitae Variant Classification Sherloc (09022015). Collection method: clinical testing. Allele origin: germline.

GeneDx
Classification: Likely benign. Last evaluated: 2019-02-19. Review status: criteria provided, single submitter. Criteria: GeneDx Variant Classification Process June 2021. Collection method: clinical testing. Allele origin: germline. Affected: yes.
Comment: See Variant Classification Assertion Criteria.

Literature cited by the submitters: PubMed 32170002 (cited by Women's Health and Genetics/Laboratory Corporation of America, LabCorp).